The following is an entry in ClinVar:

NM_005120.3(MED12):c.5728C>T (p.Arg1910Cys)

Gene: MED12 (mediator complex subunit 12; plus strand). Cytogenetic location: Xq13.1.
Variant type: single nucleotide variant.
Coding change: c.5728C>T on transcript NM_005120.3 (MANE Select); coding-DNA position 5728, C replaced by T.
Protein change: p.Arg1910Cys; replaces arginine 1910 with cysteine.
Molecular consequence: missense variant.
Genome position (GRCh38, 1-based): chrX:71,137,363, C>T. VCF-style: chrX-71137363-C-T. GRCh37 (hg19) VCF-style: chrX-70357213-C-T.
Other names: short protein forms R1910C.
Identifiers: ClinVar variation 4859839 (VCV004859839.1).
Genomic context (GRCh38, chrX:71,137,363, plus strand): 5'-CCCTCCTCTTATAAGACCTCTGTGTACCGGCAGCAGCAACCTGCGGTGCCCCAAGGACAG[C>T]GCCTTCGCCAACAGCTCCAGGCAAAGATAGTGAGAGGGGCAGTAGGGAGGGCTGTCAGGG-3'
Protein context (NP_005111.2, residues 1900-1920): QQQPAVPQGQ[Arg1910Cys]LRQQLQQSQG

ClinVar aggregate classification (germline): Uncertain significance (1 of 4 stars; one submission).

Conditions:
Familial thoracic aortic aneurysm and aortic dissection (TAAD). Also called: Thoracic aortic aneurysms and dissections. Identifiers: Orphanet 91387, MedGen C4707243, MONDO:0019625.

gnomAD v4.1: 2 of 1,211,318 alleles (0.00017%); highest among the groups gnomAD compares: Non-Finnish European, 0.00022%; no homozygotes.

Submission:

Ambry Genetics
Classification: Uncertain significance for Familial thoracic aortic aneurysm and aortic dissection. Last evaluated: 2026-06-01. Review status: criteria provided, single submitter. Criteria: Ambry Variant Classification Scheme 2023. Collection method: clinical testing. Allele origin: germline.
Comment: The p.R1910C variant (also known as c.5728C>T), located in coding exon 39 of the MED12 gene, results from a C to T substitution at nucleotide position 5728. The arginine at codon 1910 is replaced by cysteine, an amino acid with highly dissimilar properties. This amino acid position is conserved. In addition, this alteration is predicted to be tolerated by in silico analysis. Based on the available evidence, the clinical significance of this variant remains unclear.